The following is an entry in ClinVar:

NM_000179.3(MSH6):c.948G>C (p.Arg316Ser)

Gene: MSH6 (mutS homolog 6; plus strand). Cytogenetic location: 2p16.3.
Variant type: single nucleotide variant.
Coding change: c.948G>C on transcript NM_000179.3 (MANE Select); coding-DNA position 948, G replaced by C.
Protein change: p.Arg316Ser; replaces arginine 316 with serine.
Molecular consequence: missense variant.
Genome position (GRCh38, 1-based): chr2:47,798,931, G>C. VCF-style: chr2-47798931-G-C. GRCh37 (hg19) VCF-style: chr2-48026070-G-C.
Other names: c.558G>C, p.Arg186Ser (NM_001281492.2); c.42G>C, p.Arg14Ser (NM_001281493.2, NM_001281494.2, NM_001406811.1 and 6 more transcripts); c.1044G>C, p.Arg348Ser (NM_001406795.1, NM_001406802.1); c.948G>C, p.Arg316Ser (NM_001406796.1, NM_001406798.1, NM_001406800.1 and 4 more transcripts); c.651G>C, p.Arg217Ser (NM_001406797.1, NM_001406801.1, NM_001406805.1 and 10 more transcripts); c.423G>C, p.Arg141Ser (NM_001406799.1, NM_001406806.1, NM_001406807.1); c.870G>C, p.Arg290Ser (NM_001406804.1); c.954G>C, p.Arg318Ser (NM_001406813.1); and 1 more; short protein forms R290S, R318S, R14S, R217S, R260S, R141S, R186S, R316S.
Identifiers: ClinVar variation 1983475 (VCV001983475.4), dbSNP rs750023646, ClinGen allele CA346740809.

ClinVar aggregate classification (germline): Uncertain significance (1 of 4 stars; one submission).

Conditions:
Hereditary nonpolyposis colorectal neoplasms. Identifiers: MedGen C0009405, MeSH D003123.

gnomAD v4.1: 1 of 1,614,120 alleles (0.000062%); highest among the groups gnomAD compares: South Asian, 0.0011%; no homozygotes.

Submission:

Labcorp Genetics (formerly Invitae), Labcorp
Classification: Uncertain significance for Hereditary nonpolyposis colorectal neoplasms. Last evaluated: 2022-09-06. Review status: criteria provided, single submitter. Criteria: Invitae Variant Classification Sherloc (09022015). Collection method: clinical testing. Allele origin: germline.
Comment: In summary, the available evidence is currently insufficient to determine the role of this variant in disease. Therefore, it has been classified as a Variant of Uncertain Significance. Advanced modeling of protein sequence and biophysical properties (such as structural, functional, and spatial information, amino acid conservation, physicochemical variation, residue mobility, and thermodynamic stability) performed at Invitae indicates that this missense variant is not expected to disrupt MSH6 protein function. This variant has not been reported in the literature in individuals affected with MSH6-related conditions. This variant is not present in population databases (gnomAD no frequency). This sequence change replaces arginine, which is basic and polar, with serine, which is neutral and polar, at codon 316 of the MSH6 protein (p.Arg316Ser).